The following is an entry in ClinVar:

ClinVar aggregate classification (germline): Uncertain significance. Review status: criteria provided, multiple submitters, no conflicts (2 of 4 stars). 2 submissions from 2 submitters: Uncertain significance (2). Last evaluated 2023-01-15.

Conditions:
Retinitis pigmentosa 50 (RP50). Also called: Retinitis pigmentosa, concentric. Identifiers: Orphanet 791, MedGen C2750789, MONDO:0013175, OMIM 613194.

Allele frequency attached by ClinVar (database versions not stated): gnomAD exomes below 0.00001; gnomAD 0.00001.
gnomAD v4.1: 2 of 1,614,108 alleles (0.00012%); highest among the groups gnomAD compares: Admixed American, 0.0033%; no homozygotes.

Submissions (2):

Labcorp Genetics (formerly Invitae), Labcorp
Classification: Uncertain significance. Last evaluated: 2023-01-15. Review status: criteria provided, single submitter. Criteria: Invitae Variant Classification Sherloc (09022015). Collection method: clinical testing. Allele origin: germline.
Comment: In summary, the available evidence is currently insufficient to determine the role of this variant in disease. Therefore, it has been classified as a Variant of Uncertain Significance. This sequence change replaces tryptophan, which is neutral and slightly polar, with cysteine, which is neutral and slightly polar, at codon 287 of the BEST1 protein (p.Trp287Cys). This variant is present in population databases (no rsID available, gnomAD 0.1%). This variant has not been reported in the literature in individuals affected with BEST1-related conditions. ClinVar contains an entry for this variant (Variation ID: 1441709). Advanced modeling of protein sequence and biophysical properties (such as structural, functional, and spatial information, amino acid conservation, physicochemical variation, residue mobility, and thermodynamic stability) performed at Invitae indicates that this missense variant is expected to disrupt BEST1 protein function.

3billion
Classification: Uncertain significance for Retinitis pigmentosa 50. Last evaluated: 2022-05-22. Review status: criteria provided, single submitter. Criteria: ACMG Guidelines, 2015. Collection method: clinical testing. Allele origin: germline. Affected: yes. Observed: 1 heterozygote.
Comment: The variant is observed at an extremely low frequency in the gnomAD v2.1.1 dataset (total allele frequency: 0.003%). Missense changes are a common disease-causing mechanism. In silico tool predictions suggest damaging effect of the variant on gene or gene product (REVEL: 0.94; 3Cnet: 0.79). Therefore, this variant is classified as uncertain significanceaccording to the recommendation of ACMG/AMP guideline.

NM_004183.4(BEST1):c.861G>C (p.Trp287Cys)

Gene: BEST1 (bestrophin 1; plus strand). Cytogenetic location: 11q12.3.
Variant type: single nucleotide variant.
Coding change: c.861G>C on transcript NM_004183.4 (MANE Select); coding-DNA position 861, G replaced by C.
Protein change: p.Trp287Cys; replaces tryptophan 287 with cysteine.
Molecular consequence: missense variant. On other transcripts: non-coding transcript variant (1).
Genome position (GRCh38, 1-based): chr11:61,958,292, G>C. VCF-style: chr11-61958292-G-C. GRCh37 (hg19) VCF-style: chr11-61725764-G-C.
Other names: c.681G>C, p.Trp227Cys (NM_001139443.3, NM_001300786.2, NM_001300787.2); c.543G>C, p.Trp181Cys (NM_001363591.3); c.861G>C, p.Trp287Cys (NM_001363592.2); c.-315G>C (NM_001363593.3); short protein forms W181C, W227C, W287C.
Identifiers: ClinVar variation 1441709 (VCV001441709.9), dbSNP rs1474961573, ClinGen allele CA380840385.